The following is an entry in ClinVar:

NM_001199862.2(KCNAB2):c.122G>A (p.Arg41Gln)

Gene: KCNAB2 (potassium voltage-gated channel subfamily A regulatory beta subunit 2; plus strand). Cytogenetic location: 1p36.31.
Variant type: single nucleotide variant.
Coding change: c.122G>A on transcript NM_001199862.2 (MANE Select); coding-DNA position 122, G replaced by A.
Protein change: p.Arg41Gln; replaces arginine 41 with glutamine.
Molecular consequence: missense variant. On other transcripts: intron variant (5).
Genome position (GRCh38, 1-based): chr1:6,051,658, G>A. VCF-style: chr1-6051658-G-A. GRCh37 (hg19) VCF-style: chr1-6111718-G-A.
Other names: c.119+9786G>A (NM_001199861.2, NM_003636.4, NM_001199860.2); c.77+11013G>A (NM_172130.3); c.-83+5475G>A (NM_001199863.2); short protein forms R41Q.
Identifiers: ClinVar variation 3037964 (VCV003037964.4), dbSNP rs530635823, ClinGen allele CA555073.

ClinVar aggregate classification (germline): Likely benign. Review status: criteria provided, single submitter (1 of 4 stars). 2 submissions from 2 submitters: Likely benign (1). 1 of the submissions does not count toward it. Last evaluated 2026-05-01.

Conditions:
KCNAB2-related disorder. Also called: KCNAB2-related condition.

Allele frequency attached by ClinVar (database versions not stated): 1000 Genomes Project 0.00060; 1000 Genomes Project 30x 0.00078; TOPMed 0.00097; gnomAD 0.00100; ExAC 0.00276.
gnomAD v4.1: 1,309 of 1,534,078 alleles (0.085%); highest among the groups gnomAD compares: Middle Eastern, 1.1%; 3 homozygotes.

Submissions (2):

CeGaT Center for Human Genetics Tuebingen
Classification: Likely benign. Last evaluated: 2026-05-01. Review status: criteria provided, single submitter. Criteria: CeGaT Center For Human Genetics Tuebingen Variant Classification Criteria Version 2. Collection method: clinical testing. Allele origin: germline. Affected: yes. Observed: 1 variant allele.
Comment: KCNAB2: BS2

PreventionGenetics, part of Exact Sciences
Classification: Likely benign for KCNAB2-related condition. Last evaluated: 2023-02-25. Review status: no assertion criteria provided. Collection method: clinical testing. Allele origin: germline. Not counted in ClinVar's aggregate classification.
Comment: This variant is classified as likely benign based on ACMG/AMP sequence variant interpretation guidelines (Richards et al. 2015 PMID: 25741868, with internal and published modifications).